The following is an entry in ClinVar:

ClinVar aggregate classification (germline): Uncertain significance. Review status: criteria provided, multiple submitters, no conflicts (2 of 4 stars). 2 submissions from 2 submitters: Uncertain significance (2). Last evaluated 2025-12-10.

Conditions:
Inborn genetic diseases. Identifiers: MedGen C0950123, MeSH D030342.
Saldino-Mainzer syndrome (SRTD9). Also called: CONORENAL SYNDROME; Renal dysplasia, retinal pigmentary dystrophy, cerebellar ataxia and skeletal dysplasia; SHORT-RIB THORACIC DYSPLASIA 9 WITHOUT POLYDACTYLY; short-rib thoracic dysplasia 9 with or without polydactyly. Identifiers: Orphanet 140969, MedGen C1849437, MONDO:0009964, OMIM 266920.

Allele frequency attached by ClinVar (database versions not stated): gnomAD exomes below 0.00001 and 0.00001.
gnomAD v4.1: 3 of 1,614,130 alleles (0.00019%); highest among the groups gnomAD compares: Admixed American, 0.0033%; no homozygotes.

Submissions (2):

Ambry Genetics
Classification: Uncertain significance for Inborn genetic diseases. Last evaluated: 2025-12-10. Review status: criteria provided, single submitter. Criteria: Ambry Variant Classification Scheme 2023. Collection method: clinical testing. Allele origin: germline.

Labcorp Genetics (formerly Invitae), Labcorp
Classification: Uncertain significance for Saldino-Mainzer syndrome. Last evaluated: 2021-11-13. Review status: criteria provided, single submitter. Criteria: Invitae Variant Classification Sherloc (09022015). Collection method: clinical testing. Allele origin: germline.
Comment: In summary, the available evidence is currently insufficient to determine the role of this variant in disease. Therefore, it has been classified as a Variant of Uncertain Significance. Algorithms developed to predict the effect of missense changes on protein structure and function output the following: SIFT: "Tolerated"; PolyPhen-2: "Benign"; Align-GVGD: "Class C0". The threonine amino acid residue is found in multiple mammalian species, which suggests that this missense change does not adversely affect protein function. This variant has not been reported in the literature in individuals affected with IFT140-related conditions. This variant is present in population databases (no rsID available, gnomAD 0.006%). This sequence change replaces alanine, which is neutral and non-polar, with threonine, which is neutral and polar, at codon 737 of the IFT140 protein (p.Ala737Thr).

NM_014714.4(IFT140):c.2209G>A (p.Ala737Thr)

Gene: IFT140 (intraflagellar transport 140; minus strand). Cytogenetic location: 16p13.3.
Variant type: single nucleotide variant.
Coding change: c.2209G>A on transcript NM_014714.4 (MANE Select); coding-DNA position 2209, G replaced by A.
Protein change: p.Ala737Thr; replaces alanine 737 with threonine.
Molecular consequence: missense variant.
Genome position (GRCh38, 1-based): chr16:1,558,125, C>T on the plus strand (G>A on the coding strand, the complement: IFT140 is on the minus strand). VCF-style: chr16-1558125-C-T. GRCh37 (hg19) VCF-style: chr16-1608126-C-T.
Other names: c.2209G>A (NM_014714.3); short protein forms A737T.
Identifiers: ClinVar variation 1406884 (VCV001406884.7), dbSNP rs1161696291, ClinGen allele CA394201349.
Genomic context (GRCh38, chr16:1,558,125, plus strand): 5'-TCCTGGACACCATCTGAGGGATGTGGTGGCACCCAGGCTCCACCTCGTCTTCTCTGTCTG[C>T]TTCTTCGGGCTAAATGACAAAGGACCCATGTGTTTGTTAATTCATATGTAAAGCTGAAGC-3'
Protein context (NP_055529.2, residues 727-747): YYYFTRKPEE[Ala737Thr]DREDEVEPGC